The following is an entry in ClinVar:

NM_005993.5(TBCD):c.3399C>G (p.Tyr1133Ter)

Gene: TBCD (tubulin folding cofactor D). Cytogenetic location: 17q25.3.
Variant type: single nucleotide variant.
Coding change: c.3399C>G on transcript NM_005993.5 (MANE Select); coding-DNA position 3399, C replaced by G.
Protein change: p.Tyr1133Ter; replaces tyrosine 1133 with a stop codon.
Molecular consequence: nonsense.
Genome position (GRCh38, 1-based): chr17:82,939,396, C>G. VCF-style: chr17-82939396-C-G. GRCh37 (hg19) VCF-style: chr17-80897272-C-G.
Other names: c.3348C>G, p.Tyr1116Ter (NM_001411101.1); c.3318C>G, p.Tyr1106Ter (NM_001411102.1); short protein forms Y1116*, Y1106*, Y1133*.
Identifiers: ClinVar variation 2874572 (VCV002874572.3), dbSNP rs192624334, ClinGen allele CA295285617.

ClinVar aggregate classification (germline): Pathogenic (1 of 4 stars; one submission).

Submission:

Labcorp Genetics (formerly Invitae), Labcorp
Classification: Pathogenic. Last evaluated: 2023-02-03. Review status: criteria provided, single submitter. Criteria: Invitae Variant Classification Sherloc (09022015). Collection method: clinical testing. Allele origin: germline.
Comment: This variant has not been reported in the literature in individuals affected with TBCD-related conditions. For these reasons, this variant has been classified as Pathogenic. This variant is not present in population databases (gnomAD no frequency). This sequence change creates a premature translational stop signal (p.Tyr1133*) in the TBCD gene. It is expected to result in an absent or disrupted protein product. Loss-of-function variants in TBCD are known to be pathogenic (PMID: 27666370, 27666374).

Literature cited by the submitters: PubMed 27666370; PubMed 27666374.